The following is an entry in ClinVar:

ClinVar aggregate classification (germline): Conflicting classifications of pathogenicity. Review status: criteria provided, conflicting classifications (1 of 4 stars). 2 submissions from 2 submitters: Pathogenic (1); Uncertain significance (1). Last evaluated 2024-06-13.

Conditions:
Developmental delay, behavioral abnormalities, and neuropsychiatric disorders (DEDBANP). Identifiers: MedGen C5774224, MONDO:0859292, OMIM 620065.

Submissions (2):

GeneDx
Classification: Uncertain significance. Last evaluated: 2024-06-13. Review status: criteria provided, single submitter. Criteria: GeneDx Variant Classification Process June 2021. Collection method: clinical testing. Allele origin: germline.
Comment: Nonsense variant predicted to result in protein truncation or nonsense mediated decay in a gene for which loss-of-function is not an established mechanism of disease; Not observed at significant frequency in large population cohorts (gnomAD); Has not been previously published as pathogenic or benign to our knowledge; Variants in candidate genes are classified as variants of uncertain significance in accordance with ACMG guidelines (PMID: 25741868)

Department of Human Genetics, SALK University Hospital, Paracelsus Medical University Salzburg
Classification: Pathogenic for Developmental delay, behavioral abnormalities, and neuropsychiatric disorders. Review status: criteria provided, single submitter. Criteria: ACMG Guidelines, 2015. Collection method: clinical testing. Allele origin: de novo. Affected: yes.
Comment: Nonsense variant predicted to result in protein truncation or nonsense mediated decay in a gene for which loss-of-function is a known mechanism of disease. Not observed at significant frequency in large population cohorts (gnomAD); Observed de novo. The following ACMG criteria were applied in classifying this variant: PVS1, PS2_sup, PM2. This variant scored 11 points (7P-0B) using the point system described in PMID:32720330

Literature cited by the submitters: PubMed 35907405 (cited by Department of Human Genetics, SALK University Hospital, Paracelsus Medical University Salzburg).

NM_014921.5(ADGRL1):c.2977C>T (p.Arg993Ter)

Genes: ADGRL1 (adhesion G protein-coupled receptor L1; minus strand), ADGRL1-AS1 (ADGRL1 antisense RNA 1; plus strand). Cytogenetic location: 19p13.12.
Variant type: single nucleotide variant.
Coding change: c.2977C>T on transcript NM_014921.5 (MANE Select); coding-DNA position 2977, C replaced by T.
Protein change: p.Arg993Ter; replaces arginine 993 with a stop codon.
Molecular consequence: nonsense.
Genome position (GRCh38, 1-based): chr19:14,156,714, G>A on the plus strand (C>T on the coding strand, the complement: ADGRL1 is on the minus strand). VCF-style: chr19-14156714-G-A. GRCh37 (hg19) VCF-style: chr19-14267526-G-A.
Other names: c.2992C>T, p.Arg998Ter (NM_001008701.3); short protein forms R993*, R998*.
Identifiers: ClinVar variation 4891376 (VCV004891376.2).
Genomic context (GRCh38, chr19:14,156,714, plus strand): 5'-TCACCACGATAACGAAGGAGACTGGCCCGATGAAACTCCAGATGAAGTAATTGTCCACTC[G>A]GAGCCAGCAGCTGTAAAGGAAACAGGGCCGGGGTATAGAGAGAAGCCGAGGAGCCATTCC-3'